The following is an entry in ClinVar:

NM_016247.4(IMPG2):c.667-1G>A

Gene: IMPG2 (interphotoreceptor matrix proteoglycan 2; minus strand). Cytogenetic location: 3q12.3.
Variant type: single nucleotide variant.
Coding change: c.667-1G>A on transcript NM_016247.4 (MANE Select); the canonical splice acceptor site of the intron before coding-DNA position 667, G replaced by A.
Molecular consequence: splice acceptor variant.
Genome position (GRCh38, 1-based): chr3:101,273,743, C>T on the plus strand (G>A on the coding strand, the complement: IMPG2 is on the minus strand). VCF-style: chr3-101273743-C-T. GRCh37 (hg19) VCF-style: chr3-100992587-C-T.
Identifiers: ClinVar variation 866547 (VCV000866547.14), dbSNP rs1334444660, ClinGen allele CA353868192.
Genomic context (GRCh38, chr3:101,273,743, plus strand): 5'-AATCTGTTCACCTGCTGGTTTTGTGGCTTCTTCTATCACATTCTCAATTTCATTGCTAAT[C>T]TGAATTTTTAGAGAAAGAACAATAAATGTCAAGGCTTATTCATTCAATCAACAAACATTT-3'

ClinVar aggregate classification (germline): Pathogenic/Likely pathogenic. Review status: criteria provided, multiple submitters, no conflicts (2 of 4 stars). 5 submissions from 5 submitters: Pathogenic (2); Likely pathogenic (3). Last evaluated 2026-09-09.

Conditions:
IMPG2-related disorder. Also called: IMPG2-related condition.
IMPG2-related disorders.
Retinitis pigmentosa 56 (RP56). Identifiers: Orphanet 791, MedGen C3150819, MONDO:0013314, OMIM 613581.

Allele frequency attached by ClinVar (database versions not stated): gnomAD exomes 0.00001 and 0.00002.
gnomAD v4.1: 5 of 1,613,508 alleles (0.00031%); highest among the groups gnomAD compares: Admixed American, 0.0083%; no homozygotes.

Submissions (5):

GeneDx
Classification: Likely pathogenic. Last evaluated: 2026-09-09. Review status: criteria provided, single submitter. Criteria: GeneDx Variant Classification Process June 2021. Collection method: clinical testing. Allele origin: germline.
Comment: Canonical splice site variant expected to result in aberrant splicing, although in the absence of functional evidence the actual effect of this sequence change is unknown.; Has not been previously published as pathogenic or benign to our knowledge; This variant is associated with the following publications: (PMID: 31964843)

PreventionGenetics, part of Exact Sciences
Classification: Likely pathogenic for IMPG2-related condition. Last evaluated: 2025-04-14. Review status: criteria provided, single submitter. Criteria: ACMG Guidelines, 2015. Collection method: clinical testing. Allele origin: germline.
Comment: The IMPG2 c.667-1G>A variant is predicted to disrupt the AG splice acceptor site and interfere with normal splicing. To our knowledge, this variant has not been reported in individuals with IMPG2-related retinal disease. This variant is reported in 0.014% of alleles in individuals of Latino descent in gnomAD. Variants that disrupt the consensus splice acceptor site in IMPG2 are expected to be pathogenic. This variant is interpreted as likely pathogenic.

Labcorp Genetics (formerly Invitae), Labcorp
Classification: Pathogenic. Last evaluated: 2025-04-02. Review status: criteria provided, single submitter. Criteria: Invitae Variant Classification Sherloc (09022015). Collection method: clinical testing. Allele origin: germline.
Comment: This sequence change affects an acceptor splice site in intron 6 of the IMPG2 gene. It is expected to disrupt RNA splicing. Variants that disrupt the donor or acceptor splice site typically lead to a loss of protein function (PMID: 16199547), and loss-of-function variants in IMPG2 are known to be pathogenic (PMID: 20673862). This variant is present in population databases (no rsID available, gnomAD 0.01%). Disruption of this splice site has been observed in individuals with clinical features of inherited retinal dystrophy (internal data). ClinVar contains an entry for this variant (Variation ID: 866547). Algorithms developed to predict the effect of sequence changes on RNA splicing suggest that this variant may disrupt the consensus splice site. For these reasons, this variant has been classified as Pathogenic.

Institute of Medical Genetics and Applied Genomics, University Hospital Tübingen
Classification: Likely pathogenic for Retinitis pigmentosa 56. Last evaluated: 2024-12-11. Review status: criteria provided, single submitter. Criteria: ACMG Guidelines, 2015. Collection method: clinical testing. Allele origin: germline. Inheritance: Autosomal recessive inheritance. Affected: yes.

Blueprint Genetics
Classification: Pathogenic for IMPG2-related disorders. Last evaluated: 2022-11-25. Review status: criteria provided, single submitter. Criteria: ACMG Guidelines, 2015. Collection method: clinical testing. Allele origin: germline. Affected: yes. Observed: 5 variant alleles.

Literature cited by the submitters: PubMed 16199547 (cited by Labcorp Genetics (formerly Invitae), Labcorp); PubMed 20673862 (cited by Labcorp Genetics (formerly Invitae), Labcorp).